The following is an entry in ClinVar:

ClinVar aggregate classification (germline): Pathogenic (1 of 4 stars; one submission).

Conditions:
EGFR-related lung cancer (EGFR). Identifiers: MedGen CN130014.

Submission:

Labcorp Genetics (formerly Invitae), Labcorp
Classification: Pathogenic for EGFR-related lung cancer. Last evaluated: 2024-02-06. Review status: criteria provided, single submitter. Criteria: Invitae Variant Classification Sherloc (09022015). Collection method: clinical testing. Allele origin: germline.
Comment: This sequence change creates a premature translational stop signal (p.Ser1071*) in the EGFR gene. It is expected to result in an absent or disrupted protein product. Loss-of-function variants in EGFR are known to be pathogenic (PMID: 7630400, 28726809, 29899996). This variant is not present in population databases (gnomAD no frequency). This variant has not been reported in the literature in individuals affected with EGFR-related conditions. For these reasons, this variant has been classified as Pathogenic.

Literature cited by the submitters: PubMed 7630400; PubMed 28726809; PubMed 29899996.

NM_005228.5(EGFR):c.3212C>G (p.Ser1071Ter)

Gene: EGFR (epidermal growth factor receptor; plus strand). Cytogenetic location: 7p11.2.
Variant type: single nucleotide variant.
Coding change: c.3212C>G on transcript NM_005228.5 (MANE Select); coding-DNA position 3212, C replaced by G.
Protein change: p.Ser1071Ter; replaces serine 1071 with a stop codon.
Molecular consequence: nonsense.
Genome position (GRCh38, 1-based): chr7:55,202,566, C>G. VCF-style: chr7-55202566-C-G. GRCh37 (hg19) VCF-style: chr7-55270259-C-G.
Other names: c.3077C>G, p.Ser1026Ter (NM_001346897.2, NM_001346899.2); c.3212C>G, p.Ser1071Ter (NM_001346898.2); c.3053C>G, p.Ser1018Ter (NM_001346900.2); c.2411C>G, p.Ser804Ter (NM_001346941.2); short protein forms S1018*, S804*, S1026*, S1071*.
Identifiers: ClinVar variation 3639224 (VCV003639224.2).